The following is an entry in ClinVar:

NM_153717.3(EVC):c.1886+266G>A

Gene: EVC (EvC ciliary complex subunit 1; plus strand). Cytogenetic location: 4p16.2.
Variant type: single nucleotide variant.
Coding change: c.1886+266G>A on transcript NM_153717.3 (MANE Select); 266 bases into the intron after coding-DNA position 1886, G replaced by A.
Molecular consequence: intron variant.
Genome position (GRCh38, 1-based): chr4:5,793,983, G>A. VCF-style: chr4-5793983-G-A. GRCh37 (hg19) VCF-style: chr4-5795710-G-A.
Other names: c.1886+266G>A (NM_001306090.2).
Identifiers: ClinVar variation 669965 (VCV000669965.1), dbSNP rs13101471, ClinGen allele CA15322118.
Genomic context (GRCh38, chr4:5,793,983, plus strand): 5'-TTTTTTAAACAGCTTTTTTCAGGTATAGTTTACATACATTTATTTTACGAGTACAATTCA[G>A]TGATTGTTAGTAAATTTTACAGAGTTCTACCCCATCACCACAATCCAAATTTAGAACATT-3'

ClinVar aggregate classification (germline): Benign (1 of 4 stars; one submission).

Allele frequency attached by ClinVar (database versions not stated): 1000 Genomes Project 0.65216; 1000 Genomes Project 30x 0.65381; TOPMed 0.66687; gnomAD 0.68182 and 0.68428.
gnomAD v4.1: 103,790 of 151,570 alleles (68%); highest among the groups gnomAD compares: South Asian, 81%; 35,847 homozygotes.

Submission:

GeneDx
Classification: Benign. Last evaluated: 2018-06-14. Review status: criteria provided, single submitter. Criteria: GeneDx Variant Classification (06012015). Collection method: clinical testing. Allele origin: germline. Affected: yes.
Comment: This variant is considered likely benign or benign based on one or more of the following criteria: it is a conservative change, it occurs at a poorly conserved position in the protein, it is predicted to be benign by multiple in silico algorithms, and/or has population frequency not consistent with disease.